The following is an entry in ClinVar:

ClinVar aggregate classification (germline): Likely pathogenic. Review status: criteria provided, multiple submitters, no conflicts (2 of 4 stars). 2 submissions from 2 submitters: Likely pathogenic (2). Last evaluated 2024-12-06.

Submissions (2):

Mayo Clinic Laboratories, Mayo Clinic
Classification: Likely pathogenic. Last evaluated: 2024-12-06. Review status: criteria provided, single submitter. Criteria: ACMG Guidelines, 2015. Collection method: clinical testing. Allele origin: germline. Observed: 1 variant allele.
Comment: PM2_supporting, PVS1

PreventionGenetics, part of Exact Sciences
Classification: Likely pathogenic. Last evaluated: 2016-11-08. Review status: criteria provided, single submitter. Criteria: ACMG Guidelines, 2015. Collection method: clinical testing. Allele origin: germline.

Literature cited by the submitters: PubMed 23801932 (cited by Mayo Clinic Laboratories, Mayo Clinic).

NM_145859.1(PDCD10):c.269_270delAG

Gene: PDCD10 (programmed cell death 10; minus strand). Cytogenetic location: 3q26.1.
Variant type: Microsatellite.
Coding change: c.269_270delAG on transcript NM_145859.1; coding-DNA positions 269 to 270, 2 bases deleted (AG).
Genome position (GRCh38, 1-based): chr3:167,695,721-167,695,722, CT deleted on the plus strand (AG on the coding strand, the reverse complement: PDCD10 is on the minus strand); deleting any 2 consecutive bases within chr3:167,695,721-167,695,724 gives the same sequence; the c. name uses the placement nearest the transcript's 3' end. VCF-style (leftmost placement, unchanged base first): chr3-167695720-ACT-A. GRCh37 (hg19) VCF-style: chr3-167413508-ACT-A.
Other names: p.Glu90Valfs*4.
Identifiers: ClinVar variation 590674 (VCV000590674.4), dbSNP rs1559952461, ClinGen allele CA891862893.
Genomic context (GRCh38, chr3:167,695,720, plus strand): 5'-TAAGTGCTCGTGCCTTTTCGTTTAGGTCTTGGAATTCTGGCTCTGGTCGTTCAATCATAT[ACT>A]CTGATAAAATAAATACATAATAAAAAACATCCTGCGACTCTCTGCCAAATTCATCACATC-3'